The following is an entry in ClinVar:

NM_000228.3(LAMB3):c.528_529delinsT (p.Pro177fs)

Gene: LAMB3 (laminin subunit beta 3; minus strand). Cytogenetic location: 1q32.2.
Variant type: Indel.
Coding change: c.528_529delinsT on transcript NM_000228.3 (MANE Select); coding-DNA positions 528 to 529, GC replaced by T.
Protein change: p.Pro177fs; shifts the reading frame from proline 177.
Molecular consequence: frameshift variant.
Genome position (GRCh38, 1-based): chr1:209,634,482-209,634,483, GC replaced by A on the plus strand (GC replaced by T on the coding strand, the reverse complement: LAMB3 is on the minus strand). VCF-style: chr1-209634482-GC-A. GRCh37 (hg19) VCF-style: chr1-209807827-GC-A.
Other names: c.528_529delinsT, p.Pro177fs (NM_001017402.2, NM_001127641.1); short protein forms P177fs.
Identifiers: ClinVar variation 1724181 (VCV001724181.3), dbSNP rs2464879272, ClinGen allele CA2580061971.

ClinVar aggregate classification (germline): Likely pathogenic (1 of 4 stars; one submission).

Conditions:
Junctional epidermolysis bullosa. Identifiers: Orphanet 305, MedGen C0079301, MONDO:0017612.

Submission:

Myriad Genetics, Inc.
Classification: Likely pathogenic for Junctional epidermolysis bullosa. Last evaluated: 2022-01-31. Review status: criteria provided, single submitter. Criteria: Myriad Autosomal Dominant, Autosomal Recessive and X-Linked Classification Criteria (2023). Collection method: clinical testing. Allele origin: unknown.
Comment: NM_000228.2(LAMB3):c.528_529delGCinsT(P177Lfs*8) is expected to be pathogenic in the context of junctional epidermolysis bullosa, LAMB3-related. This variant is predicted to lead to an abnormal or absent protein product due to the creation of a premature termination codon in LAMB3, a gene where loss-of-function variants are known to be pathogenic. Please note: this variant was assessed in the context of healthy population screening.